The following is an entry in ClinVar:

ClinVar aggregate classification (germline): Uncertain significance (1 of 4 stars; one submission).

Conditions:
EGFR-related lung cancer (EGFR). Identifiers: MedGen CN130014.

Submission:

Labcorp Genetics (formerly Invitae), Labcorp
Classification: Uncertain significance for EGFR-related lung cancer. Last evaluated: 2025-06-27. Review status: criteria provided, single submitter. Criteria: Invitae Variant Classification Sherloc (09022015). Collection method: clinical testing. Allele origin: germline.
Comment: This sequence change replaces threonine, which is neutral and polar, with isoleucine, which is neutral and non-polar, at codon 572 of the EGFR protein (p.Thr572Ile). This variant is not present in population databases (gnomAD no frequency). This variant has not been reported in the literature in individuals affected with EGFR-related conditions. Invitae Evidence Modeling of protein sequence and biophysical properties (such as structural, functional, and spatial information, amino acid conservation, physicochemical variation, residue mobility, and thermodynamic stability) indicates that this missense variant is not expected to disrupt EGFR protein function with a negative predictive value of 80%. In summary, the available evidence is currently insufficient to determine the role of this variant in disease. Therefore, it has been classified as a Variant of Uncertain Significance.

NM_005228.5(EGFR):c.1715C>T (p.Thr572Ile)

Gene: EGFR (epidermal growth factor receptor; plus strand). Cytogenetic location: 7p11.2.
Variant type: single nucleotide variant.
Coding change: c.1715C>T on transcript NM_005228.5 (MANE Select); coding-DNA position 1715, C replaced by T.
Protein change: p.Thr572Ile; replaces threonine 572 with isoleucine.
Molecular consequence: missense variant.
Genome position (GRCh38, 1-based): chr7:55,163,816, C>T. VCF-style: chr7-55163816-C-T. GRCh37 (hg19) VCF-style: chr7-55231509-C-T.
Other names: c.1580C>T, p.Thr527Ile (NM_001346897.2, NM_001346899.2); c.1715C>T, p.Thr572Ile (NM_001346898.2, NM_201282.2, NM_201284.2); c.1556C>T, p.Thr519Ile (NM_001346900.2); c.914C>T, p.Thr305Ile (NM_001346941.2); short protein forms T519I, T527I, T572I, T305I.
Identifiers: ClinVar variation 4744618 (VCV004744618.1).
Genomic context (GRCh38, chr7:55,163,816, plus strand): 5'-ACTCTGAGTGCATACAGTGCCACCCAGAGTGCCTGCCTCAGGCCATGAACATCACCTGCA[C>T]AGGACGGGTAAGAGCCCCTTGCTGCTATCCACGTCCATTTCATGGGAAGGGCCTTCACAG-3'
Protein context (NP_005219.2, residues 562-582): CLPQAMNITC[Thr572Ile]GRGPDNCIQC